The following is an entry in ClinVar:

ClinVar aggregate classification (germline): Uncertain significance (1 of 4 stars; one submission).

Allele frequency attached by ClinVar (database versions not stated): gnomAD 0.00003; TOPMed 0.00003.

Submission:

Ambry Genetics
Classification: Uncertain significance. Last evaluated: 2023-10-26. Review status: criteria provided, single submitter. Criteria: Ambry Variant Classification Scheme 2023. Collection method: clinical testing. Allele origin: germline.
Comment: The p.S1366P variant (also known as c.4096T>C), located in coding exon 16 of the POLQ gene, results from a T to C substitution at nucleotide position 4096. The serine at codon 1366 is replaced by proline, an amino acid with similar properties. This amino acid position is conserved. In addition, this alteration is predicted to be tolerated by in silico analysis. Since supporting evidence is limited at this time, the clinical significance of this alteration remains unclear.

NM_199420.4(POLQ):c.4096T>C (p.Ser1366Pro)

Gene: POLQ (DNA polymerase theta; minus strand). Cytogenetic location: 3q13.33.
Variant type: single nucleotide variant.
Coding change: c.4096T>C on transcript NM_199420.4 (MANE Select); coding-DNA position 4096, T replaced by C.
Protein change: p.Ser1366Pro; replaces serine 1366 with proline.
Molecular consequence: missense variant.
Genome position (GRCh38, 1-based): chr3:121,488,835, A>G on the plus strand (T>C on the coding strand, the complement: POLQ is on the minus strand). VCF-style: chr3-121488835-A-G. GRCh37 (hg19) VCF-style: chr3-121207682-A-G.
Other names: short protein forms S1366P.
Identifiers: ClinVar variation 1737778 (VCV001737778.2), dbSNP rs1189339203, ClinGen allele CA354096186.
Genomic context (GRCh38, chr3:121,488,835, plus strand): 5'-TAGTCGCTCCTAGAGGGTGCTGTTCAGCAGGAAAAGGAATGTGACACTCCTTCTGAAAAG[A>G]GTTCATTGAGTTCTGTTGGACTAAGCTCTTCTGCATTATCCCTGCTGCCAGGTTGGTGTC-3'
Protein context (NP_955452.3, residues 1356-1376): KSLVQQNSMN[Ser1366Pro]FQKECHIPFP